The following is an entry in ClinVar:

ClinVar aggregate classification (germline): Uncertain significance (1 of 4 stars; one submission).

Conditions:
Autosomal recessive polycystic kidney disease (ARPKD). Also called: AR polycystic kidney disease. Identifiers: Orphanet 731, Orphanet 8378, MedGen C0085548, MeSH D017044, MONDO:0009889.

Allele frequency attached by ClinVar (database versions not stated): gnomAD exomes 0.00002; ExAC 0.00003; TOPMed 0.00003; gnomAD 0.00004.
gnomAD v4.1: 40 of 1,613,864 alleles (0.0025%); highest among the groups gnomAD compares: Non-Finnish European, 0.0034%; no homozygotes.

Submission:

Labcorp Genetics (formerly Invitae), Labcorp
Classification: Uncertain significance for Autosomal recessive polycystic kidney disease. Last evaluated: 2022-04-24. Review status: criteria provided, single submitter. Criteria: Invitae Variant Classification Sherloc (09022015). Collection method: clinical testing. Allele origin: germline.
Comment: This sequence change replaces valine, which is neutral and non-polar, with alanine, which is neutral and non-polar, at codon 69 of the PKHD1 protein (p.Val69Ala). This variant is present in population databases (rs748318104, gnomAD 0.006%). This variant has not been reported in the literature in individuals affected with PKHD1-related conditions. Advanced modeling of protein sequence and biophysical properties (such as structural, functional, and spatial information, amino acid conservation, physicochemical variation, residue mobility, and thermodynamic stability) performed at Invitae indicates that this missense variant is not expected to disrupt PKHD1 protein function. In summary, the available evidence is currently insufficient to determine the role of this variant in disease. Therefore, it has been classified as a Variant of Uncertain Significance.

NM_138694.4(PKHD1):c.206T>C (p.Val69Ala)

Gene: PKHD1 (PKHD1 ciliary IPT domain containing fibrocystin/polyductin; minus strand). Cytogenetic location: 6p12.2.
Variant type: single nucleotide variant.
Coding change: c.206T>C on transcript NM_138694.4 (MANE Select); coding-DNA position 206, T replaced by C.
Protein change: p.Val69Ala; replaces valine 69 with alanine.
Molecular consequence: missense variant.
Genome position (GRCh38, 1-based): chr6:52,082,467, A>G on the plus strand (T>C on the coding strand, the complement: PKHD1 is on the minus strand). VCF-style: chr6-52082467-A-G. GRCh37 (hg19) VCF-style: chr6-51947265-A-G.
Other names: c.206T>C, p.Val69Ala (NM_170724.3); short protein forms V69A.
Identifiers: ClinVar variation 1923047 (VCV001923047.2), dbSNP rs748318104, ClinGen allele CA3853997.